The following is an entry in ClinVar:

NM_006904.7(PRKDC):c.2455T>C (p.Ser819Pro)

Gene: PRKDC (protein kinase, DNA-activated, catalytic subunit; minus strand). Cytogenetic location: 8q11.21.
Variant type: single nucleotide variant.
Coding change: c.2455T>C on transcript NM_006904.7 (MANE Select); coding-DNA position 2455, T replaced by C.
Protein change: p.Ser819Pro; replaces serine 819 with proline.
Molecular consequence: missense variant.
Genome position (GRCh38, 1-based): chr8:47,918,348, A>G on the plus strand (T>C on the coding strand, the complement: PRKDC is on the minus strand). VCF-style: chr8-47918348-A-G. GRCh37 (hg19) VCF-style: chr8-48830908-A-G.
Other names: c.2455T>C, p.Ser819Pro (NM_001081640.2); short protein forms S819P.
Identifiers: ClinVar variation 3425287 (VCV003425287.1).

ClinVar aggregate classification (germline): Uncertain significance (1 of 4 stars; one submission).

Submission:

Ambry Genetics
Classification: Uncertain significance. Last evaluated: 2024-08-07. Review status: criteria provided, single submitter. Criteria: Ambry Variant Classification Scheme 2023. Collection method: clinical testing. Allele origin: germline.
Comment: The p.S819P variant (also known as c.2455T>C), located in coding exon 22 of the PRKDC gene, results from a T to C substitution at nucleotide position 2455. The serine at codon 819 is replaced by proline, an amino acid with similar properties. This amino acid position is conserved. In addition, the in silico prediction for this alteration is inconclusive. Based on the available evidence, the clinical significance of this variant remains unclear.